The following is an entry in ClinVar:

ClinVar aggregate classification (germline): Uncertain significance (1 of 4 stars; one submission).

Allele frequency attached by ClinVar (database versions not stated): gnomAD exomes below 0.00001 and 0.00001; gnomAD 0.00001; TOPMed 0.00002.
gnomAD v4.1: 12 of 1,613,762 alleles (0.00074%); highest among the groups gnomAD compares: Non-Finnish European, 0.001%; no homozygotes.

Submission:

Labcorp Genetics (formerly Invitae), Labcorp
Classification: Uncertain significance. Last evaluated: 2023-12-22. Review status: criteria provided, single submitter. Criteria: Invitae Variant Classification Sherloc (09022015). Collection method: clinical testing. Allele origin: germline.
Comment: This sequence change replaces serine, which is neutral and polar, with arginine, which is basic and polar, at codon 654 of the ARHGEF10 protein (p.Ser654Arg). This variant is present in population databases (no rsID available, gnomAD 0.0009%). This variant has not been reported in the literature in individuals affected with ARHGEF10-related conditions. ClinVar contains an entry for this variant (Variation ID: 1492231). Advanced modeling of protein sequence and biophysical properties (such as structural, functional, and spatial information, amino acid conservation, physicochemical variation, residue mobility, and thermodynamic stability) has been performed at Invitae for this missense variant, however the output from this modeling did not meet the statistical confidence thresholds required to predict the impact of this variant on ARHGEF10 protein function. In summary, the available evidence is currently insufficient to determine the role of this variant in disease. Therefore, it has been classified as a Variant of Uncertain Significance.

NM_014629.4(ARHGEF10):c.1960A>C (p.Ser654Arg)

Gene: ARHGEF10 (Rho guanine nucleotide exchange factor 10; plus strand). Cytogenetic location: 8p23.3.
Variant type: single nucleotide variant.
Coding change: c.1960A>C on transcript NM_014629.4 (MANE Select); coding-DNA position 1960, A replaced by C.
Protein change: p.Ser654Arg; replaces serine 654 with arginine.
Molecular consequence: missense variant.
Genome position (GRCh38, 1-based): chr8:1,905,709, A>C. VCF-style: chr8-1905709-A-C. GRCh37 (hg19) VCF-style: chr8-1853875-A-C.
Other names: c.1960A>C, p.Ser654Arg (NM_001308153.3); c.1846A>C, p.Ser616Arg (NM_001308152.2); short protein forms S616R, S678R, S654R.
Identifiers: ClinVar variation 1492231 (VCV001492231.6), dbSNP rs1489061560, ClinGen allele CA369961796.